The following is an entry in ClinVar:

NM_032578.4(MYPN):c.3394C>T (p.Leu1132Phe)

Gene: MYPN (myopalladin; plus strand). Cytogenetic location: 10q21.3.
Variant type: single nucleotide variant.
Coding change: c.3394C>T on transcript NM_032578.4 (MANE Select); coding-DNA position 3394, C replaced by T.
Protein change: p.Leu1132Phe; replaces leucine 1132 with phenylalanine.
Molecular consequence: missense variant. On other transcripts: non-coding transcript variant (2).
Genome position (GRCh38, 1-based): chr10:68,199,476, C>T. VCF-style: chr10-68199476-C-T. GRCh37 (hg19) VCF-style: chr10-69959233-C-T.
Other names: c.3394C>T (NM_032578.2); c.3394C>T, p.Leu1132Phe (NM_001256267.2); c.2512C>T, p.Leu838Phe (NM_001256268.2); short protein forms L1132F, L838F.
Identifiers: ClinVar variation 201892 (VCV000201892.7), dbSNP rs753388438, ClinGen allele CA335325.

ClinVar aggregate classification (germline): Uncertain significance. Review status: criteria provided, multiple submitters, no conflicts (2 of 4 stars). 3 submissions from 3 submitters: Uncertain significance (3). Last evaluated 2025-12-15.

Conditions:
MYPN-related disorder. Also called: MYPN-related condition.
Cardiovascular phenotype. Identifiers: MedGen CN230736.
Dilated cardiomyopathy 1KK (CMD1KK). Identifiers: Orphanet 154, Orphanet 75249, MedGen C3714995, MONDO:0014100, OMIM 615248.

Allele frequency attached by ClinVar (database versions not stated): gnomAD exomes below 0.00001; ExAC 0.00001; gnomAD 0.00002; TOPMed 0.00002.
gnomAD v4.1: 8 of 1,614,068 alleles (0.0005%); highest among the groups gnomAD compares: African/African-American, 0.0053%; no homozygotes.

Submissions (3):

PreventionGenetics, part of Exact Sciences
Classification: Uncertain significance for MYPN-related condition. Last evaluated: 2025-12-15. Review status: criteria provided, single submitter. Criteria: ACMG Guidelines, 2015. Collection method: clinical testing. Allele origin: germline.
Comment: The MYPN c.3394C>T variant is predicted to result in the amino acid substitution p.Leu1132Phe. To our knowledge, this variant has not been reported in the literature. This variant is reported in 0.0040% of alleles in individuals of African descent in gnomAD. At this time, the clinical significance of this variant is uncertain due to the absence of conclusive functional and genetic evidence.

Ambry Genetics
Classification: Uncertain significance for Cardiovascular phenotype. Last evaluated: 2023-08-03. Review status: criteria provided, single submitter. Criteria: Ambry Variant Classification Scheme 2023. Collection method: clinical testing. Allele origin: germline.
Comment: The p.L1132F variant (also known as c.3394C>T), located in coding exon 16 of the MYPN gene, results from a C to T substitution at nucleotide position 3394. The leucine at codon 1132 is replaced by phenylalanine, an amino acid with highly similar properties. This amino acid position is well conserved in available vertebrate species. In addition, this alteration is predicted to be tolerated by in silico analysis. Since supporting evidence is limited at this time, the clinical significance of this alteration remains unclear.

Labcorp Genetics (formerly Invitae), Labcorp
Classification: Uncertain significance for Dilated cardiomyopathy 1KK. Last evaluated: 2022-08-16. Review status: criteria provided, single submitter. Criteria: Invitae Variant Classification Sherloc (09022015). Collection method: clinical testing. Allele origin: germline.
Comment: This sequence change replaces leucine, which is neutral and non-polar, with phenylalanine, which is neutral and non-polar, at codon 1132 of the MYPN protein (p.Leu1132Phe). This variant is present in population databases (rs753388438, gnomAD 0.004%). This variant has not been reported in the literature in individuals affected with MYPN-related conditions. ClinVar contains an entry for this variant (Variation ID: 201892). Algorithms developed to predict the effect of missense changes on protein structure and function are either unavailable or do not agree on the potential impact of this missense change (SIFT: "Tolerated"; PolyPhen-2: "Probably Damaging"; Align-GVGD: "Class C0"). In summary, the available evidence is currently insufficient to determine the role of this variant in disease. Therefore, it has been classified as a Variant of Uncertain Significance.